The following is an entry in ClinVar:

NM_006767.4(LZTR1):c.1516C>T (p.Pro506Ser)

Gene: LZTR1 (leucine zipper like post translational regulator 1; plus strand). Cytogenetic location: 22q11.21.
Variant type: single nucleotide variant.
Coding change: c.1516C>T on transcript NM_006767.4 (MANE Select); coding-DNA position 1516, C replaced by T.
Protein change: p.Pro506Ser; replaces proline 506 with serine.
Molecular consequence: missense variant.
Genome position (GRCh38, 1-based): chr22:20,994,170, C>T. VCF-style: chr22-20994170-C-T. GRCh37 (hg19) VCF-style: chr22-21348459-C-T.
Other names: short protein forms P506S.
Identifiers: ClinVar variation 1774318 (VCV001774318.5), dbSNP rs1924718851, ClinGen allele CA410775700.

ClinVar aggregate classification (germline): Uncertain significance. Review status: criteria provided, multiple submitters, no conflicts (2 of 4 stars). 3 submissions from 3 submitters: Uncertain significance (3). Last evaluated 2024-05-13.

Conditions:
LZTR1-related schwannomatosis. Also called: Schwannomatosis 2; Schwannomatosis-2, susceptibility to. Identifiers: Orphanet 93921, MedGen C3810283, MONDO:0014299, OMIM 615670.
Cardiovascular phenotype. Identifiers: MedGen CN230736.
Hereditary cancer-predisposing syndrome. Also called: Hereditary Cancer Syndrome; Hereditary neoplastic syndrome; Neoplastic Syndromes, Hereditary; Tumor predisposition. Identifiers: Orphanet 140162, MedGen C0027672, MeSH D009386, MONDO:0015356.

Allele frequency attached by ClinVar (database versions not stated): gnomAD exomes below 0.00001.

Submissions (3):

Labcorp Genetics (formerly Invitae), Labcorp
Classification: Uncertain significance. Last evaluated: 2024-05-13. Review status: criteria provided, single submitter. Criteria: Invitae Variant Classification Sherloc (09022015). Collection method: clinical testing. Allele origin: germline.
Comment: This sequence change replaces proline, which is neutral and non-polar, with serine, which is neutral and polar, at codon 506 of the LZTR1 protein (p.Pro506Ser). This variant is not present in population databases (gnomAD no frequency). This variant has not been reported in the literature in individuals affected with LZTR1-related conditions. ClinVar contains an entry for this variant (Variation ID: 1774318). Advanced modeling of protein sequence and biophysical properties (such as structural, functional, and spatial information, amino acid conservation, physicochemical variation, residue mobility, and thermodynamic stability) performed at Invitae indicates that this missense variant is not expected to disrupt LZTR1 protein function with a negative predictive value of 80%. In summary, the available evidence is currently insufficient to determine the role of this variant in disease. Therefore, it has been classified as a Variant of Uncertain Significance.

Baylor Genetics
Classification: Uncertain significance for LZTR1-related schwannomatosis. Last evaluated: 2023-06-23. Review status: criteria provided, single submitter. Criteria: ACMG Guidelines, 2015. Collection method: clinical testing. Allele origin: unknown.

Ambry Genetics
Classification: Uncertain significance for Cardiovascular phenotype; Hereditary cancer-predisposing syndrome. Last evaluated: 2021-12-10. Review status: criteria provided, single submitter. Criteria: Ambry Variant Classification Scheme 2023. Collection method: clinical testing. Allele origin: germline.
Comment: The p.P506S variant (also known as c.1516C>T), located in coding exon 14 of the LZTR1 gene, results from a C to T substitution at nucleotide position 1516. The proline at codon 506 is replaced by serine, an amino acid with similar properties. This amino acid position is poorly conserved in available vertebrate species. In addition, this alteration is predicted to be tolerated by in silico analysis. Since supporting evidence is limited at this time, the clinical significance of this alteration remains unclear.